The following is an entry in ClinVar:

ClinVar aggregate classification (germline): Uncertain significance (1 of 4 stars; one submission).

Conditions:
Joubert syndrome. Also called: CEREBELLOPARENCHYMAL DISORDER IV; JOUBERT-BOLTSHAUSER SYNDROME; Familial aplasia of the vermis. Identifiers: Orphanet 475, MedGen C5979921, MONDO:0018772.
Nephronophthisis. Also called: Juvenile Nephronophthisis. Identifiers: Orphanet 655, MedGen C0687120, MONDO:0019005, HP:0000090.
Meckel-Gruber syndrome. Also called: DYSENCEPHALIA SPLANCHNOCYSTICA; GRUBER SYNDROME; Dysencephalia splachnocystica. Identifiers: Orphanet 564, MedGen C0265215, MONDO:0018921.

Submission:

Labcorp Genetics (formerly Invitae), Labcorp
Classification: Uncertain significance for Joubert syndrome; Meckel-Gruber syndrome; Nephronophthisis. Last evaluated: 2024-08-13. Review status: criteria provided, single submitter. Criteria: Invitae Variant Classification Sherloc (09022015). Collection method: clinical testing. Allele origin: germline.
Comment: This sequence change replaces aspartic acid, which is acidic and polar, with glycine, which is neutral and non-polar, at codon 344 of the CEP290 protein (p.Asp344Gly). This variant is not present in population databases (gnomAD no frequency). This variant has not been reported in the literature in individuals affected with CEP290-related conditions. Advanced modeling of protein sequence and biophysical properties (such as structural, functional, and spatial information, amino acid conservation, physicochemical variation, residue mobility, and thermodynamic stability) performed at Invitae indicates that this missense variant is expected to disrupt CEP290 protein function with a positive predictive value of 80%. In summary, the available evidence is currently insufficient to determine the role of this variant in disease. Therefore, it has been classified as a Variant of Uncertain Significance.

NM_025114.4(CEP290):c.1031A>G (p.Asp344Gly)

Gene: CEP290 (centrosomal protein 290; minus strand). Cytogenetic location: 12q21.32.
Variant type: single nucleotide variant.
Coding change: c.1031A>G on transcript NM_025114.4 (MANE Select); coding-DNA position 1031, A replaced by G.
Protein change: p.Asp344Gly; replaces aspartic acid 344 with glycine.
Molecular consequence: missense variant.
Genome position (GRCh38, 1-based): chr12:88,126,350, T>C on the plus strand (A>G on the coding strand, the complement: CEP290 is on the minus strand). VCF-style: chr12-88126350-T-C. GRCh37 (hg19) VCF-style: chr12-88520127-T-C.
Other names: short protein forms D344G.
Identifiers: ClinVar variation 3752894 (VCV003752894.1).
Genomic context (GRCh38, chr12:88,126,350, plus strand): 5'-TAAACAAAATTCTGTTAAGATTTTACCTGCTGTAGAGCCATAACATTACTTTTATCAGCA[T>C]CAAGCTGAGCATTCTTAAGTTTCTCCCTTAGGTTATGTAACATTTGCTGATACTCAATAA-3'
Protein context (NP_079390.3, residues 334-354): LREKLKNAQL[Asp344Gly]ADKSNVMALQ